The following is an entry in ClinVar:

NM_006231.4(POLE):c.3083A>G (p.Glu1028Gly)

Gene: POLE (DNA polymerase epsilon, catalytic subunit; minus strand). Cytogenetic location: 12q24.33.
Variant type: single nucleotide variant.
Coding change: c.3083A>G on transcript NM_006231.4 (MANE Select); coding-DNA position 3083, A replaced by G.
Protein change: p.Glu1028Gly; replaces glutamic acid 1028 with glycine.
Molecular consequence: missense variant.
Genome position (GRCh38, 1-based): chr12:132,659,487, T>C on the plus strand (A>G on the coding strand, the complement: POLE is on the minus strand). VCF-style: chr12-132659487-T-C. GRCh37 (hg19) VCF-style: chr12-133236073-T-C.
Other names: short protein forms E1028G.
Identifiers: ClinVar variation 3033474 (VCV003033474.2), dbSNP rs1253054687, ClinGen allele CA387391811.

ClinVar aggregate classification (germline): Uncertain significance (0 of 4 stars; one submission).

Conditions:
POLE-related disorder. Also called: POLE-related condition; POLE-related disorders.

Allele frequency attached by ClinVar (database versions not stated): gnomAD exomes below 0.00001.
gnomAD v4.1: 1 of 1,614,108 alleles (0.000062%); highest among the groups gnomAD compares: South Asian, 0.0011%; no homozygotes.

Submission:

PreventionGenetics, part of Exact Sciences
Classification: Uncertain significance for POLE-related condition. Last evaluated: 2023-12-11. Review status: no assertion criteria provided. Collection method: clinical testing. Allele origin: germline.
Comment: The POLE c.3083A>G variant is predicted to result in the amino acid substitution p.Glu1028Gly. To our knowledge, this variant has not been reported in the literature. This variant is reported in 0.0033% of alleles in individuals of South Asian descent in gnomAD. At this time, the clinical significance of this variant is uncertain due to the absence of conclusive functional and genetic evidence.